The following is an entry in ClinVar:

ClinVar aggregate classification (germline): Benign/Likely benign. Review status: criteria provided, multiple submitters, no conflicts (2 of 4 stars). 2 submissions from 2 submitters: Benign (1); Likely benign (1). Last evaluated 2025-02-14.

Conditions:
Breast-ovarian cancer, familial, susceptibility to, 3. Also called: RAD51C-Related Breast/Ovarian Cancer. Identifiers: Orphanet 145, MedGen C3150659, MONDO:0013253, OMIM 613399.
Fanconi anemia complementation group O. Also called: RAD51C-Related Fanconi Anemia. Identifiers: Orphanet 84, MedGen C3150653, MONDO:0013248, OMIM 613390.

Submissions (2):

Myriad Genetics, Inc.
Classification: Likely benign for Breast-ovarian cancer, familial, susceptibility to, 3. Last evaluated: 2025-02-14. Review status: criteria provided, single submitter. Criteria: Myriad Autosomal Dominant, Autosomal Recessive and X-Linked Classification Criteria (2023). Collection method: clinical testing. Allele origin: unknown.
Comment: This variant is considered likely benign. This variant is intronic and is not expected to impact mRNA splicing.

Labcorp Genetics (formerly Invitae), Labcorp
Classification: Benign for Fanconi anemia complementation group O. Last evaluated: 2024-05-05. Review status: criteria provided, single submitter. Criteria: Invitae Variant Classification Sherloc (09022015). Collection method: clinical testing. Allele origin: germline.

NM_058216.3(RAD51C):c.146-9del

Gene: RAD51C (RAD51 paralog C; plus strand). Cytogenetic location: 17q22.
Variant type: Deletion.
Coding change: c.146-9del on transcript NM_058216.3 (MANE Select); 9 bases into the intron before coding-DNA position 146, one base deleted (T; older notation c.146-9delT).
Molecular consequence: intron variant.
Genome position (GRCh38, 1-based): chr17:58,694,922, T deleted; the last of 4 consecutive T bases (chr17:58,694,919-58,694,922); deleting any one gives the same sequence. VCF-style (leftmost placement, unchanged base first): chr17-58694918-AT-A. GRCh37 (hg19) VCF-style: chr17-56772279-AT-A.
Other names: c.146-9del (NM_002876.4).
Identifiers: ClinVar variation 2097439 (VCV002097439.5), dbSNP rs750997900, ClinGen allele CA8677174.